The following is an entry in ClinVar:

NM_001379659.1(ZNF142):c.4169G>A (p.Arg1390Gln)

Gene: ZNF142 (zinc finger protein 142; minus strand). Cytogenetic location: 2q35.
Variant type: single nucleotide variant.
Coding change: c.4169G>A on transcript NM_001379659.1 (MANE Select); coding-DNA position 4169, G replaced by A.
Protein change: p.Arg1390Gln; replaces arginine 1390 with glutamine.
Molecular consequence: missense variant.
Genome position (GRCh38, 1-based): chr2:218,642,947, C>T on the plus strand (G>A on the coding strand, the complement: ZNF142 is on the minus strand). VCF-style: chr2-218642947-C-T. GRCh37 (hg19) VCF-style: chr2-219507670-C-T.
Other names: c.3080G>A, p.Arg1027Gln (NM_001366288.3, NM_001366289.3, NM_001366287.3); c.4169G>A, p.Arg1390Gln (NM_001366290.3, NM_001379660.1, NM_001379661.1); c.3569G>A, p.Arg1190Gln (NM_001366291.3, NM_001105537.5, NM_001379662.1); short protein forms R1190Q, R1390Q, R1027Q.
Identifiers: ClinVar variation 3474299 (VCV003474299.2).

ClinVar aggregate classification (germline): Conflicting classifications of pathogenicity. Review status: criteria provided, conflicting classifications (1 of 4 stars). 2 submissions from 2 submitters: Uncertain significance (1); Likely benign (1). Last evaluated 2025-04-03.

Conditions:
Inborn genetic diseases. Identifiers: MedGen C0950123, MeSH D030342.

gnomAD v4.1: 529 of 1,613,632 alleles (0.033%); highest among the groups gnomAD compares: Non-Finnish European, 0.03%; no homozygotes.

Submissions (2):

GeneDx
Classification: Uncertain significance. Last evaluated: 2025-04-03. Review status: criteria provided, single submitter. Criteria: GeneDx Variant Classification Process June 2021. Collection method: clinical testing. Allele origin: germline. Affected: yes.
Comment: In silico analysis indicates that this missense variant does not alter protein structure/function; Has not been previously published as pathogenic or benign to our knowledge

Ambry Genetics
Classification: Likely benign for Inborn genetic diseases. Last evaluated: 2024-10-25. Review status: criteria provided, single submitter. Criteria: Ambry Variant Classification Scheme 2023. Collection method: clinical testing. Allele origin: germline.